The following is an entry in ClinVar:

ClinVar aggregate classification (germline): Uncertain significance. Review status: criteria provided, multiple submitters, no conflicts (2 of 4 stars). 3 submissions from 3 submitters: Uncertain significance (3). Last evaluated 2025-10-01.

Conditions:
Inborn genetic diseases. Identifiers: MedGen C0950123, MeSH D030342.

Allele frequency attached by ClinVar (database versions not stated): gnomAD 0.00001; gnomAD exomes 0.00001 and 0.00003; TOPMed 0.00002; ExAC 0.00003.
gnomAD v4.1: 18 of 1,613,612 alleles (0.0011%); highest among the groups gnomAD compares: Admixed American, 0.005%; no homozygotes.

Submissions (3):

Women's Health and Genetics/Laboratory Corporation of America, LabCorp
Classification: Uncertain significance. Last evaluated: 2025-10-01. Review status: criteria provided, single submitter. Criteria: LabCorp Variant Classification Summary - May 2015. Collection method: clinical testing. Allele origin: germline.
Comment: Variant summary: FAT4 c.5468C>T (p.Ser1823Leu) results in a non-conservative amino acid change in the encoded protein sequence. Algorithms developed to predict the effect of missense changes on protein structure and function are either unavailable or do not agree on the potential impact of this missense change. The variant allele was found at a frequency of 2.8e-05 in 250868 control chromosomes. The available data on variant occurrences in the general population are insufficient to allow any conclusion about variant significance. To our knowledge, no occurrence of c.5468C>T in individuals affected with FAT4-related conditions and no experimental evidence demonstrating its impact on protein function have been reported. ClinVar contains an entry for this variant (Variation ID: 1419150). Based on the evidence outlined above, the variant was classified as uncertain significance.

Ambry Genetics
Classification: Uncertain significance for Inborn genetic diseases. Last evaluated: 2025-04-12. Review status: criteria provided, single submitter. Criteria: Ambry Variant Classification Scheme 2023. Collection method: clinical testing. Allele origin: germline.

Labcorp Genetics (formerly Invitae), Labcorp
Classification: Uncertain significance. Last evaluated: 2024-08-14. Review status: criteria provided, single submitter. Criteria: Invitae Variant Classification Sherloc (09022015). Collection method: clinical testing. Allele origin: germline.
Comment: This sequence change replaces serine, which is neutral and polar, with leucine, which is neutral and non-polar, at codon 1823 of the FAT4 protein (p.Ser1823Leu). This variant is present in population databases (rs758045956, gnomAD 0.01%). This variant has not been reported in the literature in individuals affected with FAT4-related conditions. ClinVar contains an entry for this variant (Variation ID: 1419150). Invitae Evidence Modeling of protein sequence and biophysical properties (such as structural, functional, and spatial information, amino acid conservation, physicochemical variation, residue mobility, and thermodynamic stability) indicates that this missense variant is not expected to disrupt FAT4 protein function with a negative predictive value of 95%. In summary, the available evidence is currently insufficient to determine the role of this variant in disease. Therefore, it has been classified as a Variant of Uncertain Significance.

NM_001291303.3(FAT4):c.5468C>T (p.Ser1823Leu)

Gene: FAT4 (FAT atypical cadherin 4; plus strand). Cytogenetic location: 4q28.1.
Variant type: single nucleotide variant.
Coding change: c.5468C>T on transcript NM_001291303.3 (MANE Select); coding-DNA position 5468, C replaced by T.
Protein change: p.Ser1823Leu; replaces serine 1823 with leucine.
Molecular consequence: missense variant.
Genome position (GRCh38, 1-based): chr4:125,407,040, C>T. VCF-style: chr4-125407040-C-T. GRCh37 (hg19) VCF-style: chr4-126328195-C-T.
Other names: c.5468C>T (NM_024582.4); c.5468C>T, p.Ser1823Leu (NM_001291285.3, NM_024582.6); short protein forms S1823L.
Identifiers: ClinVar variation 1419150 (VCV001419150.6), dbSNP rs758045956, ClinGen allele CA3072728.